The following is an entry in ClinVar:

ClinVar aggregate classification (germline): Uncertain significance (1 of 4 stars; one submission).

Conditions:
Inborn genetic diseases. Identifiers: MedGen C0950123, MeSH D030342.

Submission:

Ambry Genetics
Classification: Uncertain significance for Inborn genetic diseases. Last evaluated: 2024-03-08. Review status: criteria provided, single submitter. Criteria: Ambry Variant Classification Scheme 2023. Collection method: clinical testing. Allele origin: germline.
Comment: The p.H470R variant (also known as c.1409A>G), located in coding exon 3 of the ATP7B gene, results from an A to G substitution at nucleotide position 1409. The histidine at codon 470 is replaced by arginine, an amino acid with highly similar properties. This amino acid position is conserved. In addition, this alteration is predicted to be tolerated by in silico analysis. Based on the available evidence, the clinical significance of this alteration remains unclear.

NM_000053.4(ATP7B):c.1409A>G (p.His470Arg)

Gene: ATP7B (ATPase copper transporting beta; minus strand). Cytogenetic location: 13q14.3.
Variant type: single nucleotide variant.
Coding change: c.1409A>G on transcript NM_000053.4 (MANE Select); coding-DNA position 1409, A replaced by G.
Protein change: p.His470Arg; replaces histidine 470 with arginine.
Molecular consequence: missense variant. On other transcripts: intron variant (1).
Genome position (GRCh38, 1-based): chr13:51,970,626, T>C on the plus strand (A>G on the coding strand, the complement: ATP7B is on the minus strand). VCF-style: chr13-51970626-T-C. GRCh37 (hg19) VCF-style: chr13-52544762-T-C.
Other names: c.1409A>G, p.His470Arg (NM_001005918.3, NM_001330578.2, NM_001330579.2 and 28 more transcripts); c.1076A>G, p.His359Arg (NM_001243182.2); c.1313A>G, p.His438Arg (NM_001406517.1, NM_001406518.1, NM_001406530.1 and 3 more transcripts); c.980A>G, p.His327Arg (NM_001406539.1); c.1285+3309A>G (NM_001406548.1); short protein forms H327R, H359R, H438R, H470R.
Identifiers: ClinVar variation 3223716 (VCV003223716.1), dbSNP rs2547794185, ClinGen allele CA388035694.